The following is an entry in ClinVar:

ClinVar aggregate classification (germline): Likely benign (1 of 4 stars; one submission).

Conditions:
USH1C-related disorder. Also called: USH1C-related condition.

gnomAD v4.1: 2 of 1,612,354 alleles (0.00012%); highest among the groups gnomAD compares: Middle Eastern, 0.017%; no homozygotes.

Submission:

PreventionGenetics, part of Exact Sciences
Classification: Likely benign for USH1C-related condition. Last evaluated: 2026-05-10. Review status: criteria provided, single submitter. Criteria: ACMG Guidelines, 2015. Collection method: clinical testing. Allele origin: germline.
Comment: This variant is classified as likely benign based on ACMG/AMP sequence variant interpretation guidelines (Richards et al. 2015 PMID: 25741868, with internal and published modifications).

NM_153676.4(USH1C):c.1923C>T (p.Gly641=)

Gene: USH1C (USH1 protein network component harmonin; minus strand). Cytogenetic location: 11p15.1.
Variant type: single nucleotide variant.
Coding change: c.1923C>T on transcript NM_153676.4 (MANE Select); coding-DNA position 1923, C replaced by T.
Protein change: p.Gly641=; no amino-acid change (glycine 641 retained).
Molecular consequence: synonymous variant. On other transcripts: intron variant (11).
Genome position (GRCh38, 1-based): chr11:17,509,446, G>A on the plus strand (C>T on the coding strand, the complement: USH1C is on the minus strand). VCF-style: chr11-17509446-G-A. GRCh37 (hg19) VCF-style: chr11-17530993-G-A.
Other names: c.1228-7466C>T (NM_001297764.2); c.1211-11175C>T (NM_001440687.1); c.1413+2456C>T (NM_001440681.1); c.1285-7466C>T (NM_001440685.1, NM_005709.4, NM_001440682.1); c.1285-4749C>T (NM_001440683.1); c.1437+2456C>T (NM_001440680.1); c.1261-7466C>T (NM_001440686.1); c.1318-7466C>T (NM_001440684.1); and 1 more.
Identifiers: ClinVar variation 4993970 (VCV004993970.1).